The following is an entry in ClinVar:

ClinVar aggregate classification (germline): Pathogenic/Likely pathogenic. Review status: criteria provided, multiple submitters, no conflicts (2 of 4 stars). 3 submissions from 3 submitters: Pathogenic (2); Likely pathogenic (1). Last evaluated 2024-06-09.

Conditions:
Mucopolysaccharidosis type 6 (MPS6). Also called: ARSB DEFICIENCY; ARYLSULFATASE B DEFICIENCY; MPS 6; Maroteaux Lamy syndrome; MPS VI; N-ACETYLGALACTOSAMINE-4-SULFATASE DEFICIENCY. Identifiers: Orphanet 583, MedGen C0026709, MONDO:0009661, OMIM 253200.

Submissions (3):

Fulgent Genetics
Classification: Likely pathogenic for Mucopolysaccharidosis type 6. Last evaluated: 2024-06-09. Review status: criteria provided, single submitter. Criteria: ACMG Guidelines, 2015. Collection method: clinical testing. Allele origin: germline.

Foundation for Research in Genetics and Endocrinology, FRIGE's Institute of Human Genetics
Classification: Pathogenic for Mucopolysaccharidosis type 6. Last evaluated: 2023-08-10. Review status: criteria provided, single submitter. Criteria: ACMG Guidelines, 2015. Collection method: clinical testing. Allele origin: germline. Inheritance: Autosomal recessive inheritance. Affected: yes. Observed: 1 homozygote.
Comment: A homozygous 14 base pair deletion in exon 2 of the ARSB gene that results in a frameshift and premature truncation of the protein 16 amino acids downstream to codon 123 was detected. The observed variant c.352_365dup (p.Pro123SerfsTer16) has not been reported in the 1000 genomes and gnomAD databases. The in-silico prediction of the variant is disease causing by Mutation Taster. In summary, the variant meets our criteria to be classified as pathogenic.

Labcorp Genetics (formerly Invitae), Labcorp
Classification: Pathogenic for Mucopolysaccharidosis type 6. Last evaluated: 2023-05-19. Review status: criteria provided, single submitter. Criteria: Invitae Variant Classification Sherloc (09022015). Collection method: clinical testing. Allele origin: germline.
Comment: For these reasons, this variant has been classified as Pathogenic. This variant has not been reported in the literature in individuals affected with ARSB-related conditions. This variant is not present in population databases (gnomAD no frequency). This sequence change creates a premature translational stop signal (p.Pro123Serfs*16) in the ARSB gene. It is expected to result in an absent or disrupted protein product. Loss-of-function variants in ARSB are known to be pathogenic (PMID: 17458871, 22133300).

Literature cited by the submitters: PubMed 17458871 (cited by Labcorp Genetics (formerly Invitae), Labcorp); PubMed 22133300 (cited by Labcorp Genetics (formerly Invitae), Labcorp).

NM_000046.5(ARSB):c.352_365dup (p.Pro123fs)

Gene: ARSB (arylsulfatase B; minus strand). Cytogenetic location: 5q14.1.
Variant type: Duplication.
Coding change: c.352_365dup on transcript NM_000046.5 (MANE Select); coding-DNA positions 352 to 365, 14 bases duplicated (CAGCCCAGCTGTGT).
Protein change: p.Pro123fs; shifts the reading frame from proline 123.
Molecular consequence: frameshift variant.
Genome position (GRCh38, 1-based): chr5:78,969,140-78,969,153, ACACAGCTGGGCTG duplicated on the plus strand (CAGCCCAGCTGTGT on the coding strand, the reverse complement: ARSB is on the minus strand); duplicating any 14 consecutive bases within chr5:78,969,140-78,969,156 gives the same sequence; the c. name uses the placement nearest the transcript's 3' end. VCF-style (leftmost placement, unchanged base first): chr5-78969139-A-AACACAGCTGGGCTG. GRCh37 (hg19) VCF-style: chr5-78264962-A-AACACAGCTGGGCTG.
Other names: p.Pro123SerfsTer16; c.352_365dup, p.Pro123fs (NM_198709.3); short protein forms P123fs.
Identifiers: ClinVar variation 2582300 (VCV002582300.6), dbSNP rs2530607480, ClinGen allele CA2582341584.